The following is an entry in ClinVar:

NM_001385012.1(NBEA):c.3490A>G (p.Ser1164Gly)

Gene: NBEA (neurobeachin; plus strand). Cytogenetic location: 13q13.3.
Variant type: single nucleotide variant.
Coding change: c.3490A>G on transcript NM_001385012.1 (MANE Select); coding-DNA position 3490, A replaced by G.
Protein change: p.Ser1164Gly; replaces serine 1164 with glycine.
Molecular consequence: missense variant.
Genome position (GRCh38, 1-based): chr13:35,159,661, A>G. VCF-style: chr13-35159661-A-G. GRCh37 (hg19) VCF-style: chr13-35733798-A-G.
Other names: c.3490A>G, p.Ser1164Gly (NM_001379245.1, NM_015678.5); short protein forms S1164G.
Identifiers: ClinVar variation 4535999 (VCV004535999.1).

ClinVar aggregate classification (germline): Uncertain significance (1 of 4 stars; one submission).

gnomAD v4.1: 42 of 1,611,402 alleles (0.0026%); highest among the groups gnomAD compares: African/African-American, 0.004%; no homozygotes.

Submission:

Women's Health and Genetics/Laboratory Corporation of America, LabCorp
Classification: Uncertain significance. Last evaluated: 2025-09-24. Review status: criteria provided, single submitter. Criteria: LabCorp Variant Classification Summary - May 2015. Collection method: clinical testing. Allele origin: germline.
Comment: Variant summary: NBEA c.3490A>G (p.Ser1164Gly) results in a non-conservative amino acid change in the encoded protein sequence. Algorithms developed to predict the effect of missense changes on protein structure and function are either unavailable or do not agree on the potential impact of this missense change. The variant allele was found at a frequency of 1.2e-05 in 244170 control chromosomes. The available data on variant occurrences in the general population are insufficient to allow any conclusion about variant significance. To our knowledge, no occurrence of c.3490A>G in individuals affected with NBEA-related conditions and no experimental evidence demonstrating its impact on protein function have been reported. No submitters have cited clinical-significance assessments for this variant to ClinVar. Based on the evidence outlined above, the variant was classified as uncertain significance.